The following is an entry in ClinVar:

NM_004004.6(GJB2):c.663G>C (p.Lys221Asn)

Gene: GJB2 (gap junction protein beta 2; minus strand). Cytogenetic location: 13q12.11.
Variant type: single nucleotide variant.
Coding change: c.663G>C on transcript NM_004004.6 (MANE Select); coding-DNA position 663, G replaced by C.
Protein change: p.Lys221Asn; replaces lysine 221 with asparagine.
Molecular consequence: missense variant.
Genome position (GRCh38, 1-based): chr13:20,188,919, C>G on the plus strand (G>C on the coding strand, the complement: GJB2 is on the minus strand). VCF-style: chr13-20188919-C-G. GRCh37 (hg19) VCF-style: chr13-20763058-C-G.
Other names: short protein forms K221N.
Identifiers: ClinVar variation 44764 (VCV000044764.18), dbSNP rs375599392, ClinGen allele CA134993.

ClinVar aggregate classification (germline): Uncertain significance. Review status: criteria provided, multiple submitters, no conflicts (2 of 4 stars). 9 submissions from 9 submitters: Uncertain significance (7). 2 of the submissions do not count toward it. Last evaluated 2025-06-20.

Conditions:
Ichthyosis, hystrix-like, with hearing loss. Also called: Hystrix-like ichthyosis with deafness. Identifiers: Orphanet 477, MedGen C1865234, MONDO:0011245.
Palmoplantar keratoderma-deafness syndrome. Also called: Keratoderma palmoplantar, with deafness; Palmoplantar keratoderma and sensorineural deafness; Hereditary palmoplantar keratoderma with deafness (subtype); Focal palmoplantar keratoderma with sensorineural deafness (subtype); Diffuse palmoplantar keratoderma with deafness (subtype). Identifiers: Orphanet 2202, MedGen C1835672, MONDO:0007852, OMIM 148350.
Knuckle pads, deafness AND leukonychia syndrome. Also called: Bart-Pumphrey syndrome. Identifiers: Orphanet 2698, MedGen C0266004, MONDO:0007866, OMIM 149200.
X-linked mixed hearing loss with perilymphatic gusher. Also called: Gusher syndrome; NANCE DEAFNESS; PERILYMPHATIC GUSHER-DEAFNESS SYNDROME; SENSORINEURAL DEAFNESS, PROFOUND, WITH OR WITHOUT A CONDUCTIVE COMPONENT, ASSOCIATED WITH A UNIQUE DEVELOPMENTAL ABNORMALITY OF THE EAR; Deafness, X-linked 2. Identifiers: Orphanet 383, MedGen C1844678, MONDO:0010576, OMIM 304400.
Mutilating keratoderma (VOWNKL). Also called: Keratoderma hereditarium mutilans. Identifiers: Orphanet 494, MedGen C0265964, MONDO:0007422, OMIM 124500.
Autosomal recessive nonsyndromic hearing loss 1A (DFNB1A). Also called: Connexin 26 deafness; Deafness nonsyndromic, Connexin 26 linked; GJB6-Related DFNB 1 Nonsyndromic Hearing Loss and Deafness; Deafness, autosomal recessive 1A; Nonsyndromic Hearing Loss and Deafness, DFNB1; GJB2-Related Autosomal Recessive Nonsyndromic Hearing Loss. Identifiers: Orphanet 90636, MedGen C2673759, MONDO:0009076, OMIM 220290.
Autosomal dominant keratitis-ichthyosis-hearing loss syndrome. Also called: Senter syndrome; KID SYNDROME, AUTOSOMAL DOMINANT; HID SYNDROME. Identifiers: Orphanet 477, MedGen C0265336, MONDO:0007850, OMIM 148210.
Autosomal dominant nonsyndromic hearing loss 3A. Identifiers: Orphanet 90635, MedGen C2675750, MONDO:0011103, OMIM 601544.

Allele frequency attached by ClinVar (database versions not stated): ExAC 0.00003; ESP Exome Variant Server 0.00008; gnomAD 0.00004 and 0.00003; TOPMed 0.00003; gnomAD exomes 0.00004.
gnomAD v4.1: 58 of 1,613,164 alleles (0.0036%); highest among the groups gnomAD compares: Non-Finnish European, 0.0046%; no homozygotes.

Submissions (9):

GeneDx
Classification: Uncertain significance. Last evaluated: 2025-06-20. Review status: criteria provided, single submitter. Criteria: GeneDx Variant Classification Process June 2021. Collection method: clinical testing. Allele origin: germline. Affected: yes.
Comment: Reported in the heterozygous state without a second variant in patients with sensorineural hearing loss in the published literature (PMID: 34515852, 25401782); In silico analysis suggests that this missense variant does not alter protein structure/function; This variant is associated with the following publications: (PMID: 25388846, 25555641, 25401782, 34515852, 36788145, 38791074)

Women's Health and Genetics/Laboratory Corporation of America, LabCorp
Classification: Uncertain significance. Last evaluated: 2024-04-02. Review status: criteria provided, single submitter. Criteria: LabCorp Variant Classification Summary - May 2015. Collection method: clinical testing. Allele origin: germline.
Comment: Variant summary: GJB2 c.663G>C (p.Lys221Asn) results in a non-conservative amino acid change in the encoded protein sequence. Three of five in-silico tools predict a damaging effect of the variant on protein function. The variant allele was found at a frequency of 4e-05 in 248358 control chromosomes (gnomAD). This frequency is not significantly higher than estimated for a pathogenic variant in GJB2 causing Non-Syndromic Hearing Loss (4e-05 vs 0.00034), allowing no conclusion about variant significance. c.663G>C has been reported in the literature in individuals affected with Non-Syndromic Hearing Loss (Stanghellini_2014, Kashef_2015). These reports do not provide unequivocal conclusions about association of the variant with Non-Syndromic Hearing Loss. To our knowledge, no experimental evidence demonstrating an impact on protein function has been reported. The following publications have been ascertained in the context of this evaluation (PMID: 25388846, 25401782, 25555641). ClinVar contains an entry for this variant (Variation ID: 44764). Based on the evidence outlined above, the variant was classified as uncertain significance.

Athena Diagnostics
Classification: Uncertain significance. Last evaluated: 2024-01-22. Review status: criteria provided, single submitter. Criteria: Athena Diagnostics Criteria. Collection method: clinical testing. Allele origin: unknown.
Comment: Available data are insufficient to determine the clinical significance of the variant at this time. The frequency of this variant in the general population is uninformative in assessment of its pathogenicity. Computational tools predict that this variant is not damaging.

Labcorp Genetics (formerly Invitae), Labcorp
Classification: Uncertain significance. Last evaluated: 2022-02-24. Review status: criteria provided, single submitter. Criteria: Invitae Variant Classification Sherloc (09022015). Collection method: clinical testing. Allele origin: germline.
Comment: This sequence change replaces lysine, which is basic and polar, with asparagine, which is neutral and polar, at codon 221 of the GJB2 protein (p.Lys221Asn). This variant is present in population databases (rs375599392, gnomAD 0.008%). This missense change has been observed in individual(s) with GJB2-related conditions (PMID: 25401782, 25555641). ClinVar contains an entry for this variant (Variation ID: 44764). Advanced modeling of protein sequence and biophysical properties (such as structural, functional, and spatial information, amino acid conservation, physicochemical variation, residue mobility, and thermodynamic stability) performed at Invitae indicates that this missense variant is not expected to disrupt GJB2 protein function. In summary, the available evidence is currently insufficient to determine the role of this variant in disease. Therefore, it has been classified as a Variant of Uncertain Significance.

Fulgent Genetics
Classification: Uncertain significance for Mutilating keratoderma; Autosomal dominant keratitis-ichthyosis-hearing loss syndrome; Palmoplantar keratoderma-deafness syndrome; Knuckle pads, deafness AND leukonychia syndrome; Autosomal recessive nonsyndromic hearing loss 1A; X-linked mixed hearing loss with perilymphatic gusher; Autosomal dominant nonsyndromic hearing loss 3A. Last evaluated: 2018-10-31. Review status: criteria provided, single submitter. Criteria: ACMG Guidelines, 2015. Collection method: clinical testing. Allele origin: unknown.

Genomic Diagnostic Laboratory, Division of Genomic Diagnostics, Children's Hospital of Philadelphia
Classification: Uncertain significance for Deafness, autosomal recessive 1A. Last evaluated: 2017-05-09. Review status: criteria provided, single submitter. Criteria: DGD Variant Analysis Guidelines. Collection method: clinical testing. Allele origin: germline. Affected: yes and no. Observed: 2 variant alleles.

Laboratory for Molecular Medicine, Mass General Brigham Personalized Medicine
Classification: Uncertain significance. Last evaluated: 2012-04-17. Review status: criteria provided, single submitter. Criteria: LMM Criteria. Collection method: clinical testing. Allele origin: germline. Observed: 1 variant allele.
Comment: Variant classified as Uncertain Significance - Favor Benign. The Lys221Asn varia nt in GJB2 has not been reported in the literature in any individuals with heari ng loss nor previously identified by our laboratory. However, this variant has b een identified in 0.01% (1/6984) of European American chromosomes in a broad pop ulation by the NHLBI Exome sequencing project. Although this variant has been seen in the general population, its frequency is not high enough to rule out a pathogenic role. Computational analyses (bioche mical amino acid properties, conservation, AlignGVGD, PolyPhen2, and SIFT) do no t provide strong support for or against an impact to the protein. In summary, th e clinical significance of this variant cannot be determined with certainty.

Natera, Inc.
Classification: Uncertain significance for Autosomal recessive deafness type 1A. Last evaluated: 2020-09-16. Review status: no assertion criteria provided. Collection method: clinical testing. Allele origin: germline. Not counted in ClinVar's aggregate classification.

Counsyl
Classification: Uncertain significance for Autosomal recessive nonsyndromic hearing loss 1A. Last evaluated: 2017-11-14. Review status: no assertion criteria provided. Collection method: clinical testing. Allele origin: unknown. Not counted in ClinVar's aggregate classification.

Literature cited by the submitters: PubMed 25388846 (cited by Women's Health and Genetics/Laboratory Corporation of America, LabCorp and Athena Diagnostics); PubMed 25401782 (cited by 4 submitters); PubMed 25555641 (cited by 4 submitters); PubMed 36788145 (cited by Athena Diagnostics).